The following is an entry in ClinVar:

NM_006516.4(SLC2A1):c.211A>G (p.Ile71Val)

Gene: SLC2A1 (solute carrier family 2 member 1; minus strand). Cytogenetic location: 1p34.2.
Variant type: single nucleotide variant.
Coding change: c.211A>G on transcript NM_006516.4 (MANE Select); coding-DNA position 211, A replaced by G.
Protein change: p.Ile71Val; replaces isoleucine 71 with valine.
Molecular consequence: missense variant.
Genome position (GRCh38, 1-based): chr1:42,931,110, T>C on the plus strand (A>G on the coding strand, the complement: SLC2A1 is on the minus strand). VCF-style: chr1-42931110-T-C. GRCh37 (hg19) VCF-style: chr1-43396781-T-C.
Other names: short protein forms I71V.
Identifiers: ClinVar variation 3704850 (VCV003704850.2).

ClinVar aggregate classification (germline): Uncertain significance (1 of 4 stars; one submission).

Conditions:
GLUT1 deficiency syndrome 1, autosomal recessive. Identifiers: MedGen C3149117.

Submission:

Labcorp Genetics (formerly Invitae), Labcorp
Classification: Uncertain significance for GLUT1 deficiency syndrome 1, autosomal recessive. Last evaluated: 2024-11-05. Review status: criteria provided, single submitter. Criteria: Invitae Variant Classification Sherloc (09022015). Collection method: clinical testing. Allele origin: germline.
Comment: This sequence change replaces isoleucine, which is neutral and non-polar, with valine, which is neutral and non-polar, at codon 71 of the SLC2A1 protein (p.Ile71Val). This variant is not present in population databases (gnomAD no frequency). This variant has not been reported in the literature in individuals affected with SLC2A1-related conditions. Invitae Evidence Modeling of protein sequence and biophysical properties (such as structural, functional, and spatial information, amino acid conservation, physicochemical variation, residue mobility, and thermodynamic stability) has been performed for this missense variant. However, the output from this modeling did not meet the statistical confidence thresholds required to predict the impact of this variant on SLC2A1 protein function. In summary, the available evidence is currently insufficient to determine the role of this variant in disease. Therefore, it has been classified as a Variant of Uncertain Significance.